The following is an entry in ClinVar:

ClinVar aggregate classification (germline): Uncertain significance. Review status: criteria provided, multiple submitters, no conflicts (2 of 4 stars). 2 submissions from 2 submitters: Uncertain significance (2). Last evaluated 2025-11-20.

Conditions:
Muscular dystrophy-dystroglycanopathy (congenital with brain and eye anomalies), type a, 8 (MDDGA8). Also called: WALKER-WARBURG SYNDROME OR MUSCLE-EYE-BRAIN DISEASE, GTDC2-RELATED. Identifiers: Orphanet 899, MedGen C3553813, MONDO:0013904, OMIM 614830.
Inborn genetic diseases. Identifiers: MedGen C0950123, MeSH D030342.

Allele frequency attached by ClinVar (database versions not stated): gnomAD 0.00001; TOPMed 0.00001.
gnomAD v4.1: 13 of 1,614,056 alleles (0.00081%); highest among the groups gnomAD compares: Non-Finnish European, 0.00093%; no homozygotes.

Submissions (2):

Ambry Genetics
Classification: Uncertain significance for Inborn genetic diseases. Last evaluated: 2025-11-20. Review status: criteria provided, single submitter. Criteria: Ambry Variant Classification Scheme 2023. Collection method: clinical testing. Allele origin: germline.

Baylor Genetics
Classification: Uncertain significance for Muscular dystrophy-dystroglycanopathy (congenital with brain and eye anomalies), type a, 8. Last evaluated: 2020-11-20. Review status: criteria provided, single submitter. Criteria: ACMG Guidelines, 2015. Collection method: clinical testing. Allele origin: unknown. Affected: yes.
Comment: This variant was determined to be of uncertain significance according to ACMG Guidelines, 2015 [PMID:25741868].

NM_032806.6(POMGNT2):c.1555G>A (p.Glu519Lys)

Gene: POMGNT2 (protein O-linked mannose N-acetylglucosaminyltransferase 2 (beta 1,4-); minus strand). Cytogenetic location: 3p22.1.
Variant type: single nucleotide variant.
Coding change: c.1555G>A on transcript NM_032806.6 (MANE Select); coding-DNA position 1555, G replaced by A.
Protein change: p.Glu519Lys; replaces glutamic acid 519 with lysine.
Molecular consequence: missense variant.
Genome position (GRCh38, 1-based): chr3:43,079,877, C>T on the plus strand (G>A on the coding strand, the complement: POMGNT2 is on the minus strand). VCF-style: chr3-43079877-C-T. GRCh37 (hg19) VCF-style: chr3-43121369-C-T.
Other names: c.1555G>A (NM_032806.4); short protein forms E519K.
Identifiers: ClinVar variation 1030056 (VCV001030056.2), dbSNP rs747691921, ClinGen allele CA2339821.